The following is an entry in ClinVar:

ClinVar aggregate classification (germline): Uncertain significance (1 of 4 stars; one submission).

Submission:

ISCA site 15
Classification: Uncertain significance. Last evaluated: 2011-08-12. Review status: criteria provided, single submitter. Criteria: Kaminsky et al. (Genet Med. 2011). Collection method: clinical testing. Allele origin: maternal. Affected: yes. Observed: 1 variant allele.
Comment: Copy number variation identified through the course of routine clinical cytogenomic testing in postnatal populations. Clinical assertions have been curated as described in Kaminsky et al. 2011.

GRCh38/hg38 16p13.2(chr16:8752152-9094202)x3

Genes: ABAT (4-aminobutyrate aminotransferase; plus strand), CARHSP1 (calcium regulated heat stable protein 1; minus strand), CARHSP1-DT (CARHSP1 divergent transcript; plus strand), HAPSTR1 (HUWE1 associated protein modifying stress responses; plus strand), LITAFD (LITAF domain containing; plus strand) and 39 more. Cytogenetic location: 16p13.2.
Variant type: copy number gain.
Change: copy number 3 (three copies instead of two) of chr16:8,752,152-9,094,202 (342.1 kb, GRCh38 coordinates, 1-based), cytogenetic band 16p13.2.
Identifiers: ClinVar variation 59953 (VCV000059953.1).